The following is an entry in ClinVar:

NM_001875.5(CPS1):c.1071C>T (p.Asn357=)

Gene: CPS1 (carbamoyl-phosphate synthase 1; plus strand). Cytogenetic location: 2q34.
Variant type: single nucleotide variant.
Coding change: c.1071C>T on transcript NM_001875.5 (MANE Select); coding-DNA position 1071, C replaced by T.
Protein change: p.Asn357=; no amino-acid change (asparagine 357 retained).
Molecular consequence: synonymous variant. On other transcripts: non-coding transcript variant (1).
Genome position (GRCh38, 1-based): chr2:210,591,954, C>T. VCF-style: chr2-210591954-C-T. GRCh37 (hg19) VCF-style: chr2-211456678-C-T.
Other names: c.1071C>T (NM_001875.4); c.1071C>T, p.Asn357= (NM_001122633.3, NM_001369257.1); c.1104C>T, p.Asn368= (NM_001369256.1).
Identifiers: ClinVar variation 1125968 (VCV001125968.11), dbSNP rs146683599, ClinGen allele CA2086232.

ClinVar aggregate classification (germline): Likely benign. Review status: criteria provided, single submitter (1 of 4 stars). 2 submissions from 2 submitters: Likely benign (1). 1 of the submissions does not count toward it. Last evaluated 2026-01-03.

Conditions:
Congenital hyperammonemia, type I. Also called: Carbamoyl phosphate synthetase 1 deficiency; Hyperammonemia due to carbamoyl phosphate synthetase 1 deficiency; CPS 1 deficiency; Carbamyl phosphate synthetase (CPS) deficiency; CPS I DEFICIENCY; Carbamoyl phosphate synthetase I deficiency disease. Identifiers: Orphanet 147, MedGen C4082171, MONDO:0009376, OMIM 237300.
CPS1-related disorder. Also called: CPS1-related condition.

Allele frequency attached by ClinVar (database versions not stated): gnomAD exomes 0.00005; ExAC 0.00008; TOPMed 0.00008; gnomAD 0.00010; 1000 Genomes Project 0.00020; ESP Exome Variant Server 0.00023; 1000 Genomes Project 30x 0.00031.
gnomAD v4.1: 52 of 1,611,478 alleles (0.0032%); highest among the groups gnomAD compares: African/African-American, 0.027%; no homozygotes.

Submissions (2):

Labcorp Genetics (formerly Invitae), Labcorp
Classification: Likely benign for Congenital hyperammonemia, type I. Last evaluated: 2026-01-03. Review status: criteria provided, single submitter. Criteria: Invitae Variant Classification Sherloc (09022015). Collection method: clinical testing. Allele origin: germline.

PreventionGenetics, part of Exact Sciences
Classification: Likely benign for CPS1-related condition. Last evaluated: 2019-04-12. Review status: no assertion criteria provided. Collection method: clinical testing. Allele origin: germline. Not counted in ClinVar's aggregate classification.
Comment: This variant is classified as likely benign based on ACMG/AMP sequence variant interpretation guidelines (Richards et al. 2015 PMID: 25741868, with internal and published modifications).